The following is an entry in ClinVar:

NM_001220.5(CAMK2B):c.688G>A (p.Ala230Thr)

Gene: CAMK2B (calcium/calmodulin dependent protein kinase II beta; minus strand). Cytogenetic location: 7p13.
Variant type: single nucleotide variant.
Coding change: c.688G>A on transcript NM_001220.5 (MANE Select); coding-DNA position 688, G replaced by A.
Protein change: p.Ala230Thr; replaces alanine 230 with threonine.
Molecular consequence: missense variant.
Genome position (GRCh38, 1-based): chr7:44,242,568, C>T on the plus strand (G>A on the coding strand, the complement: CAMK2B is on the minus strand). VCF-style: chr7-44242568-C-T. GRCh37 (hg19) VCF-style: chr7-44282167-C-T.
Other names: c.688G>A, p.Ala230Thr (NM_001293170.2, NM_172078.3, NM_172079.3 and 5 more transcripts); short protein forms A230T.
Identifiers: ClinVar variation 2849304 (VCV002849304.3), dbSNP rs2486049176, ClinGen allele CA367364559.
Genomic context (GRCh38, chr7:44,242,568, plus strand): 5'-CCGGCCACACCTGGAGGAAGGGAGCTCATCAGAGAGGGGCTGGTGCACTCACGTCATAGG[C>T]ACCAGCCTTGATCTGCTGGTACAGCTTGTGCTGGTCCTCGTCCCAGAAGGGTGGGTAGCC-3'
Protein context (NP_001211.3, residues 220-240): HKLYQQIKAG[Ala230Thr]YDFPSPEWDT

ClinVar aggregate classification (germline): Uncertain significance (1 of 4 stars; one submission).

Submission:

Labcorp Genetics (formerly Invitae), Labcorp
Classification: Uncertain significance. Last evaluated: 2023-03-25. Review status: criteria provided, single submitter. Criteria: Invitae Variant Classification Sherloc (09022015). Collection method: clinical testing. Allele origin: germline.
Comment: In summary, the available evidence is currently insufficient to determine the role of this variant in disease. Therefore, it has been classified as a Variant of Uncertain Significance. This sequence change replaces alanine, which is neutral and non-polar, with threonine, which is neutral and polar, at codon 230 of the CAMK2B protein (p.Ala230Thr). This variant is not present in population databases (gnomAD no frequency). This variant has not been reported in the literature in individuals affected with CAMK2B-related conditions. An algorithm developed to predict the effect of missense changes on protein structure and function (PolyPhen-2) suggests that this variant is likely to be disruptive.